The following is an entry in ClinVar:

ClinVar aggregate classification (germline): Likely benign. Review status: criteria provided, multiple submitters, no conflicts (2 of 4 stars). 4 submissions from 4 submitters: Likely benign (3). 1 of the submissions does not count toward it. Last evaluated 2026-01-16.

Conditions:
RTEL1-related disorder. Also called: RTEL1-related condition; RTEL1-related disorders.
Inborn genetic diseases. Identifiers: MedGen C0950123, MeSH D030342.
Dyskeratosis congenita, autosomal recessive 5 (DKCB5). Identifiers: MedGen C3554656, MONDO:0014076, OMIM 615190.
Pulmonary fibrosis and/or bone marrow failure, Telomere-related, 3. Also called: PULMONARY FIBROSIS AND/OR BONE MARROW FAILURE SYNDROME, TELOMERE-RELATED, 3. Identifiers: Orphanet 2032, MedGen C4225346, MONDO:0014613, OMIM 616373.

Allele frequency attached by ClinVar (database versions not stated): gnomAD 0.00003 and 0.00005; TOPMed 0.00005; ESP Exome Variant Server 0.00008.
gnomAD v4.1: 76 of 1,612,478 alleles (0.0047%); highest among the groups gnomAD compares: East Asian, 0.031%; no homozygotes.

Submissions (4):

Labcorp Genetics (formerly Invitae), Labcorp
Classification: Likely benign for Dyskeratosis congenita, autosomal recessive 5; Pulmonary fibrosis and/or bone marrow failure, Telomere-related, 3. Last evaluated: 2026-01-16. Review status: criteria provided, single submitter. Criteria: Invitae Variant Classification Sherloc (09022015). Collection method: clinical testing. Allele origin: germline.

Blueprint Genetics
Classification: Likely benign. Last evaluated: 2024-01-23. Review status: criteria provided, single submitter. Criteria: ACMG Guidelines, 2015. Collection method: clinical testing. Allele origin: germline.

Ambry Genetics
Classification: Likely benign for Inborn genetic diseases. Last evaluated: 2023-03-20. Review status: criteria provided, single submitter. Criteria: Ambry Variant Classification Scheme 2023. Collection method: clinical testing. Allele origin: germline.

PreventionGenetics, part of Exact Sciences
Classification: Likely benign for RTEL1-related condition. Last evaluated: 2020-05-11. Review status: no assertion criteria provided. Collection method: clinical testing. Allele origin: germline. Not counted in ClinVar's aggregate classification.
Comment: This variant is classified as likely benign based on ACMG/AMP sequence variant interpretation guidelines (Richards et al. 2015 PMID: 25741868, with internal and published modifications).

NM_001283009.2(RTEL1):c.3219C>T (p.Ser1073=)

Genes: RTEL1 (regulator of telomere elongation helicase 1; plus strand), RTEL1-TNFRSF6B (RTEL1-TNFRSF6B readthrough (NMD candidate); plus strand). Cytogenetic location: 20q13.33.
Variant type: single nucleotide variant.
Coding change: c.3219C>T on transcript NM_001283009.2 (MANE Select); coding-DNA position 3219, C replaced by T.
Protein change: p.Ser1073=; no amino-acid change (serine 1073 retained).
Molecular consequence: synonymous variant. On other transcripts: non-coding transcript variant (1).
Genome position (GRCh38, 1-based): chr20:63,694,850, C>T. VCF-style: chr20-63694850-C-T. GRCh37 (hg19) VCF-style: chr20-62326203-C-T.
Other names: c.2550C>T, p.Ser850= (NM_001283010.1); c.3219C>T, p.Ser1073= (NM_016434.4); c.3291C>T, p.Ser1097= (NM_032957.5).
Identifiers: ClinVar variation 473919 (VCV000473919.17), dbSNP rs376151757, ClinGen allele CA9965912.